The following is an entry in ClinVar:

NM_015662.3(IFT172):c.2680C>T (p.Arg894Cys)

Genes: IFT172 (intraflagellar transport 172; minus strand), LOC126806174 (CDK7 strongly-dependent group 2 enhancer GRCh37_chr2:27681686-27682885; plus strand). Cytogenetic location: 2p23.3.
Variant type: single nucleotide variant.
Coding change: c.2680C>T on transcript NM_015662.3 (MANE Select); coding-DNA position 2680, C replaced by T.
Protein change: p.Arg894Cys; replaces arginine 894 with cysteine.
Molecular consequence: missense variant.
Genome position (GRCh38, 1-based): chr2:27,459,485, G>A on the plus strand (C>T on the coding strand, the complement: IFT172 is on the minus strand). VCF-style: chr2-27459485-G-A. GRCh37 (hg19) VCF-style: chr2-27682352-G-A.
Other names: c.2680C>T (NM_015662.1, NM_015662.2); short protein forms R894C.
Identifiers: ClinVar variation 1005648 (VCV001005648.14), dbSNP rs370531520, ClinGen allele CA1580213.

ClinVar aggregate classification (germline): Uncertain significance. Review status: criteria provided, multiple submitters, no conflicts (2 of 4 stars). 5 submissions from 5 submitters: Uncertain significance (4). 1 of the submissions does not count toward it. Last evaluated 2024-06-04.

Conditions:
IFT172-related disorder. Also called: IFT172-related disorders; IFT172-related condition.
Inborn genetic diseases. Identifiers: MedGen C0950123, MeSH D030342.
Retinitis pigmentosa 71 (RP71). Identifiers: Orphanet 791, MedGen C4225342, MONDO:0014618, OMIM 616394.
Short-rib thoracic dysplasia 10 with or without polydactyly (SRTD10). Identifiers: Orphanet 474, MedGen C3810175, MONDO:0014284, OMIM 615630.
Retinal dystrophy. Also called: Inherited retinal dystrophy. Identifiers: Orphanet 71862, MedGen C0854723, MeSH D058499, MONDO:0019118, HP:0000556.

Allele frequency attached by ClinVar (database versions not stated): gnomAD 0.00001; ExAC 0.00002; TOPMed 0.00002; gnomAD exomes 0.00003 and 0.00010; ESP Exome Variant Server 0.00008.
gnomAD v4.1: 144 of 1,614,000 alleles (0.0089%); highest among the groups gnomAD compares: Non-Finnish European, 0.011%; no homozygotes.

Submissions (5):

Blueprint Genetics
Classification: Uncertain significance. Last evaluated: 2024-06-04. Review status: criteria provided, single submitter. Criteria: ACMG Guidelines, 2015. Collection method: clinical testing. Allele origin: germline.

Labcorp Genetics (formerly Invitae), Labcorp
Classification: Uncertain significance for Retinitis pigmentosa 71; Short-rib thoracic dysplasia 10 with or without polydactyly. Last evaluated: 2023-12-21. Review status: criteria provided, single submitter. Criteria: Invitae Variant Classification Sherloc (09022015). Collection method: clinical testing. Allele origin: germline.
Comment: This sequence change replaces arginine, which is basic and polar, with cysteine, which is neutral and slightly polar, at codon 894 of the IFT172 protein (p.Arg894Cys). This variant is present in population databases (rs370531520, gnomAD 0.005%). This variant has not been reported in the literature in individuals affected with IFT172-related conditions. ClinVar contains an entry for this variant (Variation ID: 1005648). Advanced modeling of protein sequence and biophysical properties (such as structural, functional, and spatial information, amino acid conservation, physicochemical variation, residue mobility, and thermodynamic stability) performed at Invitae indicates that this missense variant is not expected to disrupt IFT172 protein function with a negative predictive value of 80%. In summary, the available evidence is currently insufficient to determine the role of this variant in disease. Therefore, it has been classified as a Variant of Uncertain Significance.

Dept Of Ophthalmology, Nagoya University
Classification: Uncertain significance for Retinal dystrophy. Last evaluated: 2023-10-01. Review status: criteria provided, single submitter. Criteria: Submitter's publication. Collection method: research. Allele origin: germline. Affected: yes.

Ambry Genetics
Classification: Uncertain significance for Inborn genetic diseases. Last evaluated: 2023-07-12. Review status: criteria provided, single submitter. Criteria: Ambry Variant Classification Scheme 2023. Collection method: clinical testing. Allele origin: germline.

PreventionGenetics, part of Exact Sciences
Classification: Uncertain significance for IFT172-related condition. Last evaluated: 2024-03-01. Review status: no assertion criteria provided. Collection method: clinical testing. Allele origin: germline. Not counted in ClinVar's aggregate classification.
Comment: The IFT172 c.2680C>T variant is predicted to result in the amino acid substitution p.Arg894Cys. To our knowledge, this variant has not been reported in the literature. This variant is reported in 0.0056% of alleles in individuals of Latino descent in gnomAD. At this time, the clinical significance of this variant is uncertain due to the absence of conclusive functional and genetic evidence.